The following is an entry in ClinVar:

ClinVar aggregate classification (germline): Uncertain significance (1 of 4 stars; one submission).

Conditions:
Hereditary nonpolyposis colorectal neoplasms. Identifiers: MedGen C0009405, MeSH D003123.

Submission:

Labcorp Genetics (formerly Invitae), Labcorp
Classification: Uncertain significance for Hereditary nonpolyposis colorectal neoplasms. Last evaluated: 2020-04-15. Review status: criteria provided, single submitter. Criteria: Invitae Variant Classification Sherloc (09022015). Collection method: clinical testing. Allele origin: germline.
Comment: This sequence change replaces glycine with arginine at codon 409 of the MSH6 protein (p.Gly409Arg). The glycine residue is moderately conserved and there is a moderate physicochemical difference between glycine and arginine. This variant is not present in population databases (ExAC no frequency). This variant has not been reported in the literature in individuals with MSH6-related conditions. Algorithms developed to predict the effect of missense changes on protein structure and function are either unavailable or do not agree on the potential impact of this missense change (SIFT: "Tolerated"; PolyPhen-2: "Probably Damaging"; Align-GVGD: "Class C0"). Algorithms developed to predict the effect of sequence changes on RNA splicing suggest that this variant may create or strengthen a splice site, but this prediction has not been confirmed by published transcriptional studies. In summary, the available evidence is currently insufficient to determine the role of this variant in disease. Therefore, it has been classified as a Variant of Uncertain Significance.

NM_000179.3(MSH6):c.1225G>A (p.Gly409Arg)

Gene: MSH6 (mutS homolog 6; plus strand). Cytogenetic location: 2p16.3.
Variant type: single nucleotide variant.
Coding change: c.1225G>A on transcript NM_000179.3 (MANE Select); coding-DNA position 1225, G replaced by A.
Protein change: p.Gly409Arg; replaces glycine 409 with arginine.
Molecular consequence: missense variant.
Genome position (GRCh38, 1-based): chr2:47,799,208, G>A. VCF-style: chr2-47799208-G-A. GRCh37 (hg19) VCF-style: chr2-48026347-G-A.
Other names: c.835G>A, p.Gly279Arg (NM_001281492.2); c.319G>A, p.Gly107Arg (NM_001281493.2, NM_001281494.2); short protein forms G107R, G279R, G409R.
Identifiers: ClinVar variation 1038659 (VCV001038659.9), dbSNP rs1669310132, ClinGen allele CA346743600.
Genomic context (GRCh38, chr2:47,799,208, plus strand): 5'-CCCGATTTTGATGCATCTACACTCTATGTGCCTGAGGATTTCCTCAATTCTTGTACTCCT[G>A]GGATGAGGAAGTGGTGGCAGATTAAGTCTCAGAACTTTGATCTTGTCATCTGTTACAAGG-3'
Protein context (NP_000170.1, residues 399-419): PEDFLNSCTP[Gly409Arg]MRKWWQIKSQ